The following is an entry in ClinVar:

ClinVar aggregate classification (germline): Pathogenic/Likely pathogenic. Review status: criteria provided, multiple submitters, no conflicts (2 of 4 stars). 4 submissions from 4 submitters: Pathogenic (3); Likely pathogenic (1). Last evaluated 2025-11-03.

Conditions:
Myoglobinuria, acute recurrent, autosomal recessive. Also called: Myoglobinuria, recurrent, autosomal recessive; MYOGLOBINURIA, FAMILIAL PAROXYSMAL PARALYTIC; RHABDOMYOLYSIS, ACUTE RECURRENT. Identifiers: Orphanet 99845, MedGen C1849386, MONDO:0009992, OMIM 268200.
LPIN1-related disorder. Also called: LPIN1-related condition.

Submissions (4):

Labcorp Genetics (formerly Invitae), Labcorp
Classification: Pathogenic. Last evaluated: 2025-11-03. Review status: criteria provided, single submitter. Criteria: Invitae Variant Classification Sherloc (09022015). Collection method: clinical testing. Allele origin: germline.
Comment: This sequence change creates a premature translational stop signal (p.Gln308Argfs*36) in the LPIN1 gene. It is expected to result in an absent or disrupted protein product. Loss-of-function variants in LPIN1 are known to be pathogenic (PMID: 18817903, 20583302, 22481384, 26111941). This variant is present in population databases (rs778562391, gnomAD 0.004%). This premature translational stop signal has been observed in individuals with myoglobinuria (PMID: 20583302, 28986436). ClinVar contains an entry for this variant (Variation ID: 2444342). For these reasons, this variant has been classified as Pathogenic.

Fulgent Genetics
Classification: Pathogenic for Myoglobinuria, acute recurrent, autosomal recessive. Last evaluated: 2024-05-14. Review status: criteria provided, single submitter. Criteria: ACMG Guidelines, 2015. Collection method: clinical testing. Allele origin: germline.

3billion
Classification: Pathogenic for Myoglobinuria, acute recurrent, autosomal recessive. Last evaluated: 2023-02-23. Review status: criteria provided, single submitter. Criteria: ACMG Guidelines, 2015. Collection method: clinical testing. Allele origin: unknown. Affected: yes.
Comment: The variant is observed at an extremely low frequency in the gnomAD v2.1.1 dataset (total allele frequency: 0.001%). This variant was predicted to result in a loss or disruption of normal protein function through nonsense-mediated decay (NMD) or protein truncation. Multiple pathogenic variants are reported downstream of the variant. The variant has been reported to be associated with LPIN1 -related disorder (PMID: 20583302). Therefore, this variant is classified as Pathogenic according to the recommendation of ACMG/AMP guideline.

Blueprint Genetics
Classification: Likely pathogenic for LPIN1-related disorders. Last evaluated: 2021-02-23. Review status: criteria provided, single submitter. Criteria: ACMG Guidelines, 2015. Collection method: clinical testing. Allele origin: germline. Affected: yes. Observed: 1 variant allele.

Literature cited by the submitters: PubMed 18817903 (cited by Labcorp Genetics (formerly Invitae), Labcorp); PubMed 20583302 (cited by Labcorp Genetics (formerly Invitae), Labcorp and 3billion); PubMed 22481384 (cited by Labcorp Genetics (formerly Invitae), Labcorp); PubMed 26111941 (cited by Labcorp Genetics (formerly Invitae), Labcorp); PubMed 28986436 (cited by Labcorp Genetics (formerly Invitae), Labcorp).

NM_001349206.2(LPIN1):c.1029del (p.Gln344fs)

Gene: LPIN1 (lipin 1; plus strand). Cytogenetic location: 2p25.1.
Variant type: Deletion.
Coding change: c.1029del on transcript NM_001349206.2 (MANE Select); coding-DNA position 1029, one base deleted (T; older notation c.1029delT).
Protein change: p.Gln344fs; shifts the reading frame from glutamine 344.
Molecular consequence: frameshift variant. On other transcripts: non-coding transcript variant (1).
Genome position (GRCh38, 1-based): chr2:11,782,272, T deleted; the last of 3 consecutive T bases (chr2:11,782,270-11,782,272); deleting any one gives the same sequence. VCF-style (leftmost placement, unchanged base first): chr2-11782269-CT-C. GRCh37 (hg19) VCF-style: chr2-11922395-CT-C.
Other names: c.939del, p.Gln314fs (NM_001261427.3); c.1176del, p.Gln393fs (NM_001261428.3); c.921del, p.Gln308fs (NM_001349199.2, NM_001349200.2, NM_001349201.2 and 1 more transcripts); c.1026del, p.Gln343fs (NM_001349202.2, NM_001349203.2); c.1029del, p.Gln344fs (NM_001349204.2, NM_001349205.2); c.1119del, p.Gln374fs (NM_001349207.2); c.1068del, p.Gln357fs (NM_001349208.2); short protein forms Q308fs, Q314fs, Q343fs, Q344fs, Q357fs, Q374fs, Q393fs.
Identifiers: ClinVar variation 2444342 (VCV002444342.6), dbSNP rs778562391, ClinGen allele CA1533584.